The following is an entry in ClinVar:

ClinVar aggregate classification (germline): Uncertain significance. Review status: criteria provided, multiple submitters, no conflicts (2 of 4 stars). 2 submissions from 2 submitters: Uncertain significance (2). Last evaluated 2026-08-26.

Conditions:
COL11A2-related disorder. Also called: COL11A2-related disorders; COL11A2-related condition.

Submissions (2):

PreventionGenetics, part of Exact Sciences
Classification: Uncertain significance for COL11A2-related condition. Last evaluated: 2026-08-26. Review status: criteria provided, single submitter. Criteria: ACMG Guidelines, 2015. Collection method: clinical testing. Allele origin: germline.
Comment: The COL11A2 c.2059G>T variant is predicted to result in the amino acid substitution p.Asp687Tyr. To our knowledge, this variant has not been reported in the literature or in a large population database (gnomAD), indicating this variant is rare. At this time, the clinical significance of this variant is uncertain due to the absence of conclusive functional and genetic evidence.

Labcorp Genetics (formerly Invitae), Labcorp
Classification: Uncertain significance. Last evaluated: 2025-12-11. Review status: criteria provided, single submitter. Criteria: Invitae Variant Classification Sherloc (09022015). Collection method: clinical testing. Allele origin: germline.
Comment: This sequence change replaces aspartic acid, which is acidic and polar, with tyrosine, which is neutral and polar, at codon 687 of the COL11A2 protein (p.Asp687Tyr). This variant is not present in population databases (gnomAD no frequency). This variant has not been reported in the literature in individuals affected with COL11A2-related conditions. ClinVar contains an entry for this variant (Variation ID: 1442747). Invitae Evidence Modeling of protein sequence and biophysical properties (such as structural, functional, and spatial information, amino acid conservation, physicochemical variation, residue mobility, and thermodynamic stability) indicates that this missense variant is not expected to disrupt COL11A2 protein function with a negative predictive value of 95%. In summary, the available evidence is currently insufficient to determine the role of this variant in disease. Therefore, it has been classified as a Variant of Uncertain Significance.

NM_080680.3(COL11A2):c.2059G>T (p.Asp687Tyr)

Gene: COL11A2 (collagen type XI alpha 2 chain; minus strand). Cytogenetic location: 6p21.32.
Variant type: single nucleotide variant.
Coding change: c.2059G>T on transcript NM_080680.3 (MANE Select); coding-DNA position 2059, G replaced by T.
Protein change: p.Asp687Tyr; replaces aspartic acid 687 with tyrosine.
Molecular consequence: missense variant.
Genome position (GRCh38, 1-based): chr6:33,177,003, C>A on the plus strand (G>T on the coding strand, the complement: COL11A2 is on the minus strand). VCF-style: chr6-33177003-C-A. GRCh37 (hg19) VCF-style: chr6-33144780-C-A.
Other names: c.1738G>T, p.Asp580Tyr (NM_080679.3); c.1801G>T, p.Asp601Tyr (NM_080681.3); c.2059G>T (NM_080680.2); short protein forms D687Y, D580Y, D601Y.
Identifiers: ClinVar variation 1442747 (VCV001442747.7), dbSNP rs2228549, ClinGen allele CA363651514.